The following is an entry in ClinVar:

ClinVar aggregate classification (germline): Uncertain significance. Review status: criteria provided, multiple submitters, no conflicts (2 of 4 stars). 3 submissions from 3 submitters: Uncertain significance (3). Last evaluated 2024-11-14.

Conditions:
Bardet-Biedl syndrome (BBS). Identifiers: Orphanet 110, MedGen C0752166, MONDO:0015229.
Bardet-Biedl syndrome 10 (BBS10). Identifiers: Orphanet 110, MedGen C1859568, MONDO:0014438, OMIM 615987.

Allele frequency attached by ClinVar (database versions not stated): TOPMed below 0.00001; gnomAD exomes 0.00001; ExAC 0.00002.
gnomAD v4.1: 8 of 1,614,162 alleles (0.0005%); highest among the groups gnomAD compares: Non-Finnish European, 0.00068%; no homozygotes.

Submissions (3):

Blueprint Genetics
Classification: Uncertain significance. Last evaluated: 2024-11-14. Review status: criteria provided, single submitter. Criteria: ACMG Guidelines, 2015. Collection method: clinical testing. Allele origin: germline.

Labcorp Genetics (formerly Invitae), Labcorp
Classification: Uncertain significance for Bardet-Biedl syndrome. Last evaluated: 2020-01-03. Review status: criteria provided, single submitter. Criteria: Invitae Variant Classification Sherloc (09022015). Collection method: clinical testing. Allele origin: germline.
Comment: In summary, the available evidence is currently insufficient to determine the role of this variant in disease. Therefore, it has been classified as a Variant of Uncertain Significance. Algorithms developed to predict the effect of missense changes on protein structure and function (SIFT, PolyPhen-2, Align-GVGD) all suggest that this variant is likely to be tolerated, but these predictions have not been confirmed by published functional studies and their clinical significance is uncertain. This variant has not been reported in the literature in individuals with BBS10-related conditions. This variant is present in population databases (rs750994616, ExAC 0.003%). This sequence change replaces tyrosine with asparagine at codon 506 of the BBS10 protein (p.Tyr506Asn). The tyrosine residue is weakly conserved and there is a large physicochemical difference between tyrosine and asparagine.

Illumina Laboratory Services, Illumina
Classification: Uncertain significance for Bardet-Biedl syndrome 10. Last evaluated: 2018-01-12. Review status: criteria provided, single submitter. Criteria: ICSL Variant Classification Criteria 13 December 2019. Collection method: clinical testing. Allele origin: germline.

NM_024685.4(BBS10):c.1516T>A (p.Tyr506Asn)

Gene: BBS10 (Bardet-Biedl syndrome 10; minus strand). Cytogenetic location: 12q21.2.
Variant type: single nucleotide variant.
Coding change: c.1516T>A on transcript NM_024685.4 (MANE Select); coding-DNA position 1516, T replaced by A.
Protein change: p.Tyr506Asn; replaces tyrosine 506 with asparagine.
Molecular consequence: missense variant.
Genome position (GRCh38, 1-based): chr12:76,346,469, A>T on the plus strand (T>A on the coding strand, the complement: BBS10 is on the minus strand). VCF-style: chr12-76346469-A-T. GRCh37 (hg19) VCF-style: chr12-76740249-A-T.
Other names: short protein forms Y506N.
Identifiers: ClinVar variation 882471 (VCV000882471.14), dbSNP rs750994616, ClinGen allele CA6694158.